The following is an entry in ClinVar:

ClinVar aggregate classification (germline): Uncertain significance (1 of 4 stars; one submission).

Allele frequency attached by ClinVar (database versions not stated): gnomAD 0.00001; TOPMed 0.00001.
gnomAD v4.1: 2 of 1,208,679 alleles (0.00017%); highest among the groups gnomAD compares: Non-Finnish European, 0.00011%; no homozygotes.

Submission:

Labcorp Genetics (formerly Invitae), Labcorp
Classification: Uncertain significance. Last evaluated: 2022-04-11. Review status: criteria provided, single submitter. Criteria: Invitae Variant Classification Sherloc (09022015). Collection method: clinical testing. Allele origin: germline.
Comment: In summary, the available evidence is currently insufficient to determine the role of this variant in disease. Therefore, it has been classified as a Variant of Uncertain Significance. Algorithms developed to predict the effect of missense changes on protein structure and function (SIFT, PolyPhen-2, Align-GVGD) all suggest that this variant is likely to be tolerated. This variant has not been reported in the literature in individuals affected with GPR143-related conditions. This variant is not present in population databases (gnomAD no frequency). This sequence change replaces proline, which is neutral and non-polar, with threonine, which is neutral and polar, at codon 344 of the GPR143 protein (p.Pro344Thr).

NM_000273.3(GPR143):c.1030C>A (p.Pro344Thr)

Gene: GPR143 (G protein-coupled receptor 143; minus strand). Cytogenetic location: Xp22.2.
Variant type: single nucleotide variant.
Coding change: c.1030C>A on transcript NM_000273.3 (MANE Select); coding-DNA position 1030, C replaced by A.
Protein change: p.Pro344Thr; replaces proline 344 with threonine.
Molecular consequence: missense variant.
Genome position (GRCh38, 1-based): chrX:9,739,575, G>T on the plus strand (C>A on the coding strand, the complement: GPR143 is on the minus strand). VCF-style: chrX-9739575-G-T. GRCh37 (hg19) VCF-style: chrX-9707615-G-T.
Other names: short protein forms P344T.
Identifiers: ClinVar variation 1443747 (VCV001443747.8), dbSNP rs1269264768, ClinGen allele CA411995088.
Genomic context (GRCh38, chrX:9,739,575, plus strand): 5'-AAGTCTGCCCACCCACTTGAGACACCTTCCCGGAAGCAGGGTTTTCATGGGGCATCAGTG[G>T]GGATGGGTGAGCCCCCTCAGCAGCCGAGGTGGTCAGTGATTCCCACTGGATCTCCTTCCT-3'
Protein context (NP_000264.2, residues 334-354): TSAAEGAHPS[Pro344Thr]LMPHENPASG